The following is an entry in ClinVar:

NM_002667.5(PLN):c.74G>A (p.Arg25His)

Genes: CEP85L (centrosomal protein 85L; minus strand), PLN (phospholamban; plus strand). Cytogenetic location: 6q22.31.
Variant type: single nucleotide variant.
Coding change: c.74G>A on transcript NM_002667.5 (MANE Select); coding-DNA position 74, G replaced by A.
Protein change: p.Arg25His; replaces arginine 25 with histidine.
Molecular consequence: missense variant. On other transcripts: intron variant (3).
Genome position (GRCh38, 1-based): chr6:118,558,995, G>A. VCF-style: chr6-118558995-G-A. GRCh37 (hg19) VCF-style: chr6-118880158-G-A.
Other names: c.1029+6534C>T (NM_001178035.2); c.1020+6534C>T (NM_001042475.3, NM_206921.3); short protein forms R25H.
Identifiers: ClinVar variation 410616 (VCV000410616.18), dbSNP rs1004405095, ClinGen allele CA16611886.

ClinVar aggregate classification (germline): Uncertain significance. Review status: criteria provided, multiple submitters, no conflicts (2 of 4 stars). 4 submissions from 4 submitters: Uncertain significance (4). Last evaluated 2025-07-09.

Conditions:
Cardiovascular phenotype. Identifiers: MedGen CN230736.
Dilated cardiomyopathy 1P (CMD1P). Identifiers: Orphanet 154, MedGen C1835928, MONDO:0012362, OMIM 609909.

Allele frequency attached by ClinVar (database versions not stated): gnomAD 0.00001; gnomAD exomes 0.00001; TOPMed 0.00001.
gnomAD v4.1: 18 of 1,610,616 alleles (0.0011%); highest among the groups gnomAD compares: Admixed American, 0.0017%; no homozygotes.

Submissions (4):

Ambry Genetics
Classification: Uncertain significance for Cardiovascular phenotype. Last evaluated: 2025-07-09. Review status: criteria provided, single submitter. Criteria: Ambry Variant Classification Scheme 2023. Collection method: clinical testing. Allele origin: germline.
Comment: The p.R25H variant (also known as c.74G>A), located in coding exon 1 of the PLN gene, results from a G to A substitution at nucleotide position 74. The arginine at codon 25 is replaced by histidine, an amino acid with highly similar properties. This variant was reported in individual(s) with features consistent with hypertrophic cardiomyopathy or sudden cardiac arrest (Lopes LR et al. Heart, 2015 Feb;101:294-301; Harper AR et al. Nat Genet, 2021 02;53:135-142; Ambry internal data). This amino acid position is highly conserved in available vertebrate species. In addition, the in silico prediction for this alteration is inconclusive. Based on the available evidence, the clinical significance of this variant remains unclear.

Labcorp Genetics (formerly Invitae), Labcorp
Classification: Uncertain significance for Dilated cardiomyopathy 1P. Last evaluated: 2023-11-06. Review status: criteria provided, single submitter. Criteria: Invitae Variant Classification Sherloc (09022015). Collection method: clinical testing. Allele origin: germline.
Comment: This sequence change replaces arginine, which is basic and polar, with histidine, which is basic and polar, at codon 25 of the PLN protein (p.Arg25His). This variant is present in population databases (no rsID available, gnomAD 0.002%). This missense change has been observed in individual(s) with clinical features of PLN-related conditions (Invitae). ClinVar contains an entry for this variant (Variation ID: 410616). An algorithm developed to predict the effect of missense changes on protein structure and function (PolyPhen-2) suggests that this variant is likely to be disruptive. This variant disrupts the p.Arg25 amino acid residue in PLN. Other variant(s) that disrupt this residue have been determined to be pathogenic (PMID: 25852082, 30847666; Invitae). This suggests that this residue is clinically significant, and that variants that disrupt this residue are likely to be disease-causing. In summary, the available evidence is currently insufficient to determine the role of this variant in disease. Therefore, it has been classified as a Variant of Uncertain Significance.

GeneDx
Classification: Uncertain significance. Last evaluated: 2022-08-05. Review status: criteria provided, single submitter. Criteria: GeneDx Variant Classification Process June 2021. Collection method: clinical testing. Allele origin: germline. Affected: yes.
Comment: Identified in patients with HCM referred for genetic testing at GeneDx and in published literature (Walsh et al., 2017); Not observed at significant frequency in large population cohorts (gnomAD); In silico analysis supports that this missense variant has a deleterious effect on protein structure/function; This variant is associated with the following publications: (PMID: 28082330)

Stanford Center for Inherited Cardiovascular Disease, Stanford University
Classification: Uncertain significance. Last evaluated: 2016-06-06. Review status: criteria provided, single submitter. Criteria: ACMG Guidelines, 2015. Collection method: provider interpretation. Allele origin: germline.

Literature cited by the submitters: PubMed 25351510 (cited by Ambry Genetics); PubMed 33495597 (cited by Ambry Genetics); PubMed 25852082 (cited by Labcorp Genetics (formerly Invitae), Labcorp); PubMed 30847666 (cited by Labcorp Genetics (formerly Invitae), Labcorp).